The following is an entry in ClinVar:

NM_001378454.1(ALMS1):c.2929_2930dup (p.Ser978fs)

Gene: ALMS1 (ALMS1 centrosome and basal body associated protein; plus strand). Cytogenetic location: 2p13.1.
Variant type: Microsatellite.
Coding change: c.2929_2930dup on transcript NM_001378454.1 (MANE Select); coding-DNA positions 2929 to 2930, 2 bases duplicated (GA; older notation c.2929_2930dupGA).
Protein change: p.Ser978fs; shifts the reading frame from serine 978.
Molecular consequence: frameshift variant.
Genome position (GRCh38, 1-based): chr2:73,449,456-73,449,457, GA duplicated; duplicating any 2 consecutive bases within chr2:73,449,453-73,449,457 gives the same sequence; the c. name uses the placement nearest the transcript's 3' end. VCF-style (leftmost placement, unchanged base first): chr2-73449452-T-TAG. GRCh37 (hg19) VCF-style: chr2-73676579-T-TAG.
Other names: c.2932_2933dup, p.Ser979fs (NM_015120.4); c.2932_2933dupGA (NM_015120.4); short protein forms S979fs, S978fs.
Identifiers: ClinVar variation 1797833 (VCV001797833.2), dbSNP rs2466096319, ClinGen allele CA2580611357.
Genomic context (GRCh38, chr2:73,449,452, plus strand): 5'-CTCACATAGCGAGAAATCTAGTGTTTTCTACCAGCAAGAGTTGCCAGACAGTGATCTACC[T>TAG]AGAGAATCTCTGAAAATGTCTGCTATTCCTGGACTGACTGACCAGAAGACTGTCCCAACA-3'

ClinVar aggregate classification (germline): Pathogenic (1 of 4 stars; one submission).

Conditions:
Cardiovascular phenotype. Identifiers: MedGen CN230736.

Submission:

Ambry Genetics
Classification: Pathogenic for Cardiovascular phenotype. Last evaluated: 2021-10-22. Review status: criteria provided, single submitter. Criteria: Ambry Variant Classification Scheme 2023. Collection method: clinical testing. Allele origin: germline.
Comment: The c.2932_2933dupGA variant, located in coding exon 8 of the ALMS1 gene, results from a duplication of GA at nucleotide position 2932, causing a translational frameshift with a predicted alternate stop codon (p.S979Nfs*3). This alteration is expected to result in loss of function by premature protein truncation or nonsense-mediated mRNA decay. As such, this alteration is interpreted as a disease-causing mutation.

Literature cited by the submitters: PubMed 28112973; PubMed 30064963.